The following is an entry in ClinVar:

ClinVar aggregate classification (germline): Uncertain significance (1 of 4 stars; one submission).

Allele frequency attached by ClinVar (database versions not stated): gnomAD exomes below 0.00001.
gnomAD v4.1: 2 of 1,611,968 alleles (0.00012%); highest among the groups gnomAD compares: Non-Finnish European, 0.000085%; no homozygotes.

Submission:

Labcorp Genetics (formerly Invitae), Labcorp
Classification: Uncertain significance. Last evaluated: 2023-05-08. Review status: criteria provided, single submitter. Criteria: Invitae Variant Classification Sherloc (09022015). Collection method: clinical testing. Allele origin: germline.
Comment: This variant has not been reported in the literature in individuals affected with COL18A1-related conditions. This sequence change replaces proline, which is neutral and non-polar, with leucine, which is neutral and non-polar, at codon 1268 of the COL18A1 protein (p.Pro1268Leu). This variant is not present in population databases (gnomAD no frequency). ClinVar contains an entry for this variant (Variation ID: 1506935). Experimental studies and prediction algorithms are not available or were not evaluated, and the functional significance of this variant is currently unknown. In summary, the available evidence is currently insufficient to determine the role of this variant in disease. Therefore, it has been classified as a Variant of Uncertain Significance.

NM_001379500.1(COL18A1):c.3812C>T (p.Pro1271Leu)

Genes: COL18A1 (collagen type XVIII alpha 1 chain; plus strand), SLC19A1 (solute carrier family 19 member 1; minus strand). Cytogenetic location: 21q22.3.
Variant type: single nucleotide variant.
Coding change: c.3812C>T on transcript NM_001379500.1 (MANE Select); coding-DNA position 3812, C replaced by T.
Protein change: p.Pro1271Leu; replaces proline 1271 with leucine.
Molecular consequence: missense variant.
Genome position (GRCh38, 1-based): chr21:45,512,190, C>T. VCF-style: chr21-45512190-C-T. GRCh37 (hg19) VCF-style: chr21-46932104-C-T.
Other names: c.4343C>T, p.Pro1448Leu (NM_030582.4); c.5048C>T, p.Pro1683Leu (NM_130444.3); short protein forms P1448L, P1271L, P1683L.
Identifiers: ClinVar variation 1506935 (VCV001506935.6), dbSNP rs2037651903, ClinGen allele CA410502101.